The following is an entry in ClinVar:

ClinVar aggregate classification (germline): Uncertain significance (1 of 4 stars; one submission).

Conditions:
Primary ciliary dyskinesia. Also called: Ciliary dyskinesia. Identifiers: Orphanet 244, MedGen C0008780, MONDO:0016575, HP:0012265.

Allele frequency attached by ClinVar (database versions not stated): gnomAD exomes below 0.00001 and 0.00001; ExAC 0.00001; gnomAD 0.00002 and 0.00003; TOPMed 0.00002.

Submission:

Labcorp Genetics (formerly Invitae), Labcorp
Classification: Uncertain significance for Primary ciliary dyskinesia. Last evaluated: 2023-01-13. Review status: criteria provided, single submitter. Criteria: Invitae Variant Classification Sherloc (09022015). Collection method: clinical testing. Allele origin: germline.
Comment: Algorithms developed to predict the effect of missense changes on protein structure and function output the following: SIFT: "Tolerated"; PolyPhen-2: "Benign"; Align-GVGD: "Class C0". The leucine amino acid residue is found in multiple mammalian species, which suggests that this missense change does not adversely affect protein function. In summary, the available evidence is currently insufficient to determine the role of this variant in disease. Therefore, it has been classified as a Variant of Uncertain Significance. ClinVar contains an entry for this variant (Variation ID: 1402444). This variant has not been reported in the literature in individuals affected with CCNO-related conditions. This variant is present in population databases (rs547968661, gnomAD 0.007%). This sequence change replaces proline, which is neutral and non-polar, with leucine, which is neutral and non-polar, at codon 347 of the CCNO protein (p.Pro347Leu).

NM_021147.5(CCNO):c.1040C>T (p.Pro347Leu)

Gene: CCNO (cyclin O; minus strand). Cytogenetic location: 5q11.2.
Variant type: single nucleotide variant.
Coding change: c.1040C>T on transcript NM_021147.5 (MANE Select); coding-DNA position 1040, C replaced by T.
Protein change: p.Pro347Leu; replaces proline 347 with leucine.
Molecular consequence: missense variant. On other transcripts: non-coding transcript variant (3).
Genome position (GRCh38, 1-based): chr5:55,231,388, G>A on the plus strand (C>T on the coding strand, the complement: CCNO is on the minus strand). VCF-style: chr5-55231388-G-A. GRCh37 (hg19) VCF-style: chr5-54527216-G-A.
Other names: short protein forms P347L.
Identifiers: ClinVar variation 1402444 (VCV001402444.15), dbSNP rs547968661, ClinGen allele CA3266625.